The following is an entry in ClinVar:

NM_015559.3(SETBP1):c.277A>G (p.Ile93Val)

Gene: SETBP1 (SET binding protein 1; plus strand). Cytogenetic location: 18q12.3.
Variant type: single nucleotide variant.
Coding change: c.277A>G on transcript NM_015559.3 (MANE Select); coding-DNA position 277, A replaced by G.
Protein change: p.Ile93Val; replaces isoleucine 93 with valine.
Molecular consequence: missense variant.
Genome position (GRCh38, 1-based): chr18:44,701,623, A>G. VCF-style: chr18-44701623-A-G. GRCh37 (hg19) VCF-style: chr18-42281588-A-G.
Other names: c.277A>G, p.Ile93Val (NM_001130110.2, NM_001379141.1, NM_001379142.1); short protein forms I93V.
Identifiers: ClinVar variation 1490643 (VCV001490643.8), dbSNP rs2144197963, ClinGen allele CA402481818.

ClinVar aggregate classification (germline): Uncertain significance (1 of 4 stars; one submission).

Allele frequency attached by ClinVar (database versions not stated): gnomAD exomes below 0.00001.
gnomAD v4.1: 2 of 1,614,196 alleles (0.00012%); highest among the groups gnomAD compares: Non-Finnish European, 0.000085%; no homozygotes.

Submission:

Labcorp Genetics (formerly Invitae), Labcorp
Classification: Uncertain significance. Last evaluated: 2022-06-20. Review status: criteria provided, single submitter. Criteria: Invitae Variant Classification Sherloc (09022015). Collection method: clinical testing. Allele origin: germline.
Comment: In summary, the available evidence is currently insufficient to determine the role of this variant in disease. Therefore, it has been classified as a Variant of Uncertain Significance. This sequence change replaces isoleucine, which is neutral and non-polar, with valine, which is neutral and non-polar, at codon 93 of the SETBP1 protein (p.Ile93Val). This variant is not present in population databases (gnomAD no frequency). This variant has not been reported in the literature in individuals affected with SETBP1-related conditions. Algorithms developed to predict the effect of missense changes on protein structure and function are either unavailable or do not agree on the potential impact of this missense change (SIFT: "Deleterious"; PolyPhen-2: "Probably Damaging"; Align-GVGD: "Class C0").